The following is an entry in ClinVar:

ClinVar aggregate classification (germline): Uncertain significance (1 of 4 stars; one submission).

Conditions:
Sulfite oxidase deficiency. Also called: Isolated sulfite oxidase deficiency. Identifiers: Orphanet 833, Orphanet 99731, MedGen C0268624, MONDO:0010089, OMIM 272300, HP:0003643.

Submission:

Labcorp Genetics (formerly Invitae), Labcorp
Classification: Uncertain significance for Sulfite oxidase deficiency. Last evaluated: 2022-05-20. Review status: criteria provided, single submitter. Criteria: Invitae Variant Classification Sherloc (09022015). Collection method: clinical testing. Allele origin: germline.
Comment: This variant has not been reported in the literature in individuals affected with SUOX-related conditions. Algorithms developed to predict the effect of missense changes on protein structure and function output the following: SIFT: "Tolerated"; PolyPhen-2: "Benign"; Align-GVGD: "Class C0". The alanine amino acid residue is found in multiple mammalian species, which suggests that this missense change does not adversely affect protein function. In summary, the available evidence is currently insufficient to determine the role of this variant in disease. Therefore, it has been classified as a Variant of Uncertain Significance. This sequence change replaces aspartic acid, which is acidic and polar, with alanine, which is neutral and non-polar, at codon 116 of the SUOX protein (p.Asp116Ala). This variant is not present in population databases (gnomAD no frequency).

NM_001032386.2(SUOX):c.347A>C (p.Asp116Ala)

Gene: SUOX (sulfite oxidase; plus strand). Cytogenetic location: 12q13.2.
Variant type: single nucleotide variant.
Coding change: c.347A>C on transcript NM_001032386.2 (MANE Select); coding-DNA position 347, A replaced by C.
Protein change: p.Asp116Ala; replaces aspartic acid 116 with alanine.
Molecular consequence: missense variant.
Genome position (GRCh38, 1-based): chr12:56,003,736, A>C. VCF-style: chr12-56003736-A-C. GRCh37 (hg19) VCF-style: chr12-56397520-A-C.
Other names: c.347A>C, p.Asp116Ala (NM_000456.3, NM_001032387.2); short protein forms D116A.
Identifiers: ClinVar variation 1997009 (VCV001997009.4), dbSNP rs544769931, ClinGen allele CA385282824.